The following is an entry in ClinVar:

ClinVar aggregate classification (germline): Conflicting classifications of pathogenicity. Review status: criteria provided, conflicting classifications (1 of 4 stars). 3 submissions from 3 submitters: Uncertain significance (1); Likely benign (1). 1 of the submissions does not count toward it. Last evaluated 2026-01-12.

Conditions:
Primary ciliary dyskinesia. Also called: Ciliary dyskinesia. Identifiers: Orphanet 244, MedGen C0008780, MONDO:0016575, HP:0012265.

Allele frequency attached by ClinVar (database versions not stated): gnomAD 0.00002 and 0.00003; TOPMed 0.00002; ExAC 0.00010; gnomAD exomes 0.00011.
gnomAD v4.1: 61 of 1,613,982 alleles (0.0038%); highest among the groups gnomAD compares: South Asian, 0.033%; no homozygotes.

Submissions (3):

Labcorp Genetics (formerly Invitae), Labcorp
Classification: Likely benign for Primary ciliary dyskinesia. Last evaluated: 2026-01-12. Review status: criteria provided, single submitter. Criteria: Invitae Variant Classification Sherloc (09022015). Collection method: clinical testing. Allele origin: germline.

Laboratory for Molecular Medicine, Mass General Brigham Personalized Medicine
Classification: Uncertain significance. Last evaluated: 2018-01-26. Review status: criteria provided, single submitter. Criteria: LMM Criteria. Collection method: clinical testing. Allele origin: germline. Observed: 1 variant allele.
Comment: The p.Val3399Ile variant in DNAH5 has not been previously reported in individua ls with primary ciliary dyskinesia, but has been identified in 0.06% (19/30778) of South Asian chromosomes by the Genome Aggregation Database (gnomAD; dbSNP rs749397968). Computational prediction tools and conservation analysis suggest that the p.Val3399Ile variant may impact the prote in, though this information is not predictive enough to determine pathogenicity. In summary, the clinical significance of the p.Val3399Ile variant is uncertain. ACMG/AMP Criteria applied: PP3.

Natera, Inc.
Classification: Uncertain significance for Primary ciliary dyskinesia. Last evaluated: 2020-09-16. Review status: no assertion criteria provided. Collection method: clinical testing. Allele origin: germline. Not counted in ClinVar's aggregate classification.

NM_001369.3(DNAH5):c.10195G>A (p.Val3399Ile)

Gene: DNAH5 (dynein axonemal heavy chain 5; minus strand). Cytogenetic location: 5p15.2.
Variant type: single nucleotide variant.
Coding change: c.10195G>A on transcript NM_001369.3 (MANE Select); coding-DNA position 10195, G replaced by A.
Protein change: p.Val3399Ile; replaces valine 3399 with isoleucine.
Molecular consequence: missense variant.
Genome position (GRCh38, 1-based): chr5:13,762,808, C>T on the plus strand (G>A on the coding strand, the complement: DNAH5 is on the minus strand). VCF-style: chr5-13762808-C-T. GRCh37 (hg19) VCF-style: chr5-13762917-C-T.
Other names: short protein forms V3399I.
Identifiers: ClinVar variation 506279 (VCV000506279.13), dbSNP rs749397968, ClinGen allele CA3202312.